The following is an entry in ClinVar:

ClinVar aggregate classification (germline): Benign. Review status: criteria provided, multiple submitters, no conflicts (2 of 4 stars). 3 submissions from 3 submitters: Benign (2). 1 of the submissions does not count toward it. Last evaluated 2019-12-31.

Conditions:
HIP1-related disorder. Also called: HIP1-related condition.

Allele frequency attached by ClinVar (database versions not stated): gnomAD exomes 0.00351; ExAC 0.00416; ESP Exome Variant Server 0.01322; gnomAD 0.01347 and 0.01460; TOPMed 0.01438; 1000 Genomes Project 0.01478; 1000 Genomes Project 30x 0.01483.
gnomAD v4.1: 4,014 of 1,612,700 alleles (0.25%); highest among the groups gnomAD compares: African/African-American, 4.6%; 103 homozygotes.

Submissions (3):

Labcorp Genetics (formerly Invitae), Labcorp
Classification: Benign. Last evaluated: 2019-12-31. Review status: criteria provided, single submitter. Criteria: Invitae Variant Classification Sherloc (09022015). Collection method: clinical testing. Allele origin: germline.

Breakthrough Genomics
Classification: Benign. Review status: criteria provided, single submitter. Criteria: ACMG Guidelines, 2015. Collection method: not provided. Allele origin: germline. Inheritance: Unknown mechanism. Affected: yes.

PreventionGenetics, part of Exact Sciences
Classification: Benign for HIP1-related condition. Last evaluated: 2019-02-22. Review status: no assertion criteria provided. Collection method: clinical testing. Allele origin: germline. Not counted in ClinVar's aggregate classification.
Comment: This variant is classified as benign based on ACMG/AMP sequence variant interpretation guidelines (Richards et al. 2015 PMID: 25741868, with internal and published modifications).

NM_005338.7(HIP1):c.788T>A (p.Met263Lys)

Gene: HIP1 (huntingtin interacting protein 1; minus strand). Cytogenetic location: 7q11.23.
Variant type: single nucleotide variant.
Coding change: c.788T>A on transcript NM_005338.7 (MANE Select); coding-DNA position 788, T replaced by A.
Protein change: p.Met263Lys; replaces methionine 263 with lysine.
Molecular consequence: missense variant.
Genome position (GRCh38, 1-based): chr7:75,568,214, A>T on the plus strand (T>A on the coding strand, the complement: HIP1 is on the minus strand). VCF-style: chr7-75568214-A-T. GRCh37 (hg19) VCF-style: chr7-75197518-A-T.
Other names: c.788T>A, p.Met263Lys (NM_001243198.3); short protein forms M263K.
Identifiers: ClinVar variation 790598 (VCV000790598.7), dbSNP rs17149023, ClinGen allele CA4302530.